The following is an entry in ClinVar:

NM_016507.4(CDK12):c.4248C>T (p.Val1416=)

Gene: CDK12 (cyclin dependent kinase 12; plus strand). Cytogenetic location: 17q12.
Variant type: single nucleotide variant.
Coding change: c.4248C>T on transcript NM_016507.4 (MANE Select); coding-DNA position 4248, C replaced by T.
Protein change: p.Val1416=; no amino-acid change (valine 1416 retained).
Molecular consequence: synonymous variant.
Genome position (GRCh38, 1-based): chr17:39,531,091, C>T. VCF-style: chr17-39531091-C-T. GRCh37 (hg19) VCF-style: chr17-37687344-C-T.
Other names: c.4221C>T, p.Val1407= (NM_015083.4).
Identifiers: ClinVar variation 3489330 (VCV003489330.8).

ClinVar aggregate classification (germline): Likely benign. Review status: criteria provided, multiple submitters, no conflicts (2 of 4 stars). 2 submissions from 2 submitters: Likely benign (2). Last evaluated 2025-03-01.

gnomAD v4.1: 8 of 1,593,782 alleles (0.0005%); highest among the groups gnomAD compares: Middle Eastern, 0.017%; no homozygotes.

Submissions (2):

CeGaT Center for Human Genetics Tuebingen
Classification: Likely benign. Last evaluated: 2025-03-01. Review status: criteria provided, single submitter. Criteria: CeGaT Center For Human Genetics Tuebingen Variant Classification Criteria Version 2. Collection method: clinical testing. Allele origin: germline. Affected: yes. Observed: 1 variant allele.
Comment: CDK12: BP4, BP7

Ambry Genetics
Classification: Likely benign. Last evaluated: 2024-11-30. Review status: criteria provided, single submitter. Criteria: Ambry Variant Classification Scheme 2023. Collection method: clinical testing. Allele origin: germline.